The following is an entry in ClinVar:

NM_033109.5(PNPT1):c.1706A>C (p.Lys569Thr)

Gene: PNPT1 (polyribonucleotide nucleotidyltransferase 1; minus strand). Cytogenetic location: 2p16.1.
Variant type: single nucleotide variant.
Coding change: c.1706A>C on transcript NM_033109.5 (MANE Select); coding-DNA position 1706, A replaced by C.
Protein change: p.Lys569Thr; replaces lysine 569 with threonine.
Molecular consequence: missense variant.
Genome position (GRCh38, 1-based): chr2:55,646,291, T>G on the plus strand (A>C on the coding strand, the complement: PNPT1 is on the minus strand). VCF-style: chr2-55646291-T-G. GRCh37 (hg19) VCF-style: chr2-55873426-T-G.
Other names: short protein forms K569T.
Identifiers: ClinVar variation 1424972 (VCV001424972.8), dbSNP rs757794372, ClinGen allele CA346925471.

ClinVar aggregate classification (germline): Uncertain significance (1 of 4 stars; one submission).

gnomAD v4.1: 1 of 1,613,268 alleles (0.000062%); highest among the groups gnomAD compares: Non-Finnish European, 0.000085%; no homozygotes.

Submission:

Labcorp Genetics (formerly Invitae), Labcorp
Classification: Uncertain significance. Last evaluated: 2021-02-26. Review status: criteria provided, single submitter. Criteria: Invitae Variant Classification Sherloc (09022015). Collection method: clinical testing. Allele origin: germline.
Comment: This variant has not been reported in the literature in individuals with PNPT1-related conditions. Advanced modeling of protein sequence and biophysical properties (such as structural, functional, and spatial information, amino acid conservation, physicochemical variation, residue mobility, and thermodynamic stability) performed at Invitae indicates that this missense variant is expected to disrupt PNPT1 protein function. In summary, the available evidence is currently insufficient to determine the role of this variant in disease. Therefore, it has been classified as a Variant of Uncertain Significance. This variant is not present in population databases (ExAC no frequency). This sequence change replaces lysine with threonine at codon 569 of the PNPT1 protein (p.Lys569Thr). The lysine residue is highly conserved and there is a moderate physicochemical difference between lysine and threonine.